The following is an entry in ClinVar:

NM_153026.3(PRICKLE1):c.2183C>T (p.Ala728Val)

Gene: PRICKLE1 (prickle planar cell polarity protein 1; minus strand). Cytogenetic location: 12q12.
Variant type: single nucleotide variant.
Coding change: c.2183C>T on transcript NM_153026.3 (MANE Select); coding-DNA position 2183, C replaced by T.
Protein change: p.Ala728Val; replaces alanine 728 with valine.
Molecular consequence: missense variant.
Genome position (GRCh38, 1-based): chr12:42,460,122, G>A on the plus strand (C>T on the coding strand, the complement: PRICKLE1 is on the minus strand). VCF-style: chr12-42460122-G-A. GRCh37 (hg19) VCF-style: chr12-42853924-G-A.
Other names: c.2183C>T, p.Ala728Val (NM_001144881.2, NM_001144882.2, NM_001144883.2); short protein forms A728V.
Identifiers: ClinVar variation 1787295 (VCV001787295.2), dbSNP rs1295243932, ClinGen allele CA384440021.

ClinVar aggregate classification (germline): Uncertain significance (1 of 4 stars; one submission).

gnomAD v4.1: 3 of 1,614,114 alleles (0.00019%); highest among the groups gnomAD compares: South Asian, 0.0011%; no homozygotes.

Submission:

Ambry Genetics
Classification: Uncertain significance. Last evaluated: 2018-02-07. Review status: criteria provided, single submitter. Criteria: Ambry Variant Classification Scheme 2023. Collection method: clinical testing. Allele origin: germline.
Comment: The p.A728V variant (also known as c.2183C>T), located in coding exon 7 of the PRICKLE1 gene, results from a C to T substitution at nucleotide position 2183. The alanine at codon 728 is replaced by valine, an amino acid with similar properties. This amino acid position is not well conserved in available vertebrate species. In addition, the in silico prediction for this alteration is inconclusive. Since supporting evidence is limited at this time, the clinical significance of this alteration remains unclear.